The following is an entry in ClinVar:

ClinVar aggregate classification (germline): Likely benign. Review status: criteria provided, single submitter (1 of 4 stars). 2 submissions from 2 submitters: Likely benign (1). 1 of the submissions does not count toward it. Last evaluated 2025-08-11.

Conditions:
Developmental and epileptic encephalopathy, 11 (DEE11). Also called: Early infantile epileptic encephalopathy 11. Identifiers: Orphanet 1934, MedGen C3150987, MONDO:0013388, OMIM 613721.
Seizures, benign familial infantile, 3 (BFIS3). Also called: CONVULSIONS, BENIGN FAMILIAL INFANTILE, 3; Familial neonatal seizures. Identifiers: Orphanet 140927, Orphanet 306, MedGen C1843140, MONDO:0011904, OMIM 607745.
SCN2A-related disorder. Also called: SCN2A-related condition; SCN2A-related disorders. Identifiers: MedGen CN382226, MONDO:1060245.

Allele frequency attached by ClinVar (database versions not stated): ExAC 0.00001; gnomAD exomes 0.00001 and below 0.00001.
gnomAD v4.1: 7 of 1,614,094 alleles (0.00043%); highest among the groups gnomAD compares: East Asian, 0.0045%; no homozygotes.

Submissions (2):

Labcorp Genetics (formerly Invitae), Labcorp
Classification: Likely benign for Seizures, benign familial infantile, 3; Developmental and epileptic encephalopathy, 11. Last evaluated: 2025-08-11. Review status: criteria provided, single submitter. Criteria: Invitae Variant Classification Sherloc (09022015). Collection method: clinical testing. Allele origin: germline.

PreventionGenetics, part of Exact Sciences
Classification: Likely benign for SCN2A-related condition. Last evaluated: 2023-07-18. Review status: no assertion criteria provided. Collection method: clinical testing. Allele origin: germline. Not counted in ClinVar's aggregate classification.
Comment: This variant is classified as likely benign based on ACMG/AMP sequence variant interpretation guidelines (Richards et al. 2015 PMID: 25741868, with internal and published modifications).

NM_001040142.2(SCN2A):c.3318A>G (p.Pro1106=)

Gene: SCN2A (sodium voltage-gated channel alpha subunit 2; plus strand). Cytogenetic location: 2q24.3.
Variant type: single nucleotide variant.
Coding change: c.3318A>G on transcript NM_001040142.2 (MANE Select); coding-DNA position 3318, A replaced by G.
Protein change: p.Pro1106=; no amino-acid change (proline 1106 retained).
Molecular consequence: synonymous variant.
Genome position (GRCh38, 1-based): chr2:165,354,590, A>G. VCF-style: chr2-165354590-A-G. GRCh37 (hg19) VCF-style: chr2-166211100-A-G.
Other names: c.3318A>G, p.Pro1106= (NM_001040143.2, NM_001371246.1, NM_001371247.1 and 1 more transcripts); c.3318A>G (NM_021007.2).
Identifiers: ClinVar variation 1120945 (VCV001120945.11), dbSNP rs751746800, ClinGen allele CA1940081.
Genomic context (GRCh38, chr2:165,354,590, plus strand): 5'-CGTGGATGAAAGTGATTACATGTCATTTATAAACAACCCTAGCCTCACTGTGACAGTACC[A>G]ATTGCTGTTGGAGAATCTGACTTTGAAAATTTAAATACTGAAGAATTCAGCAGCGAGTCA-3'
Protein context (NP_001035232.1, residues 1096-1116): INNPSLTVTV[Pro1106=]IAVGESDFEN